The following is an entry in ClinVar:

NM_015047.3(EMC1):c.530T>C (p.Met177Thr)

Gene: EMC1 (ER membrane protein complex subunit 1; minus strand). Cytogenetic location: 1p36.13.
Variant type: single nucleotide variant.
Coding change: c.530T>C on transcript NM_015047.3 (MANE Select); coding-DNA position 530, T replaced by C.
Protein change: p.Met177Thr; replaces methionine 177 with threonine.
Molecular consequence: missense variant.
Genome position (GRCh38, 1-based): chr1:19,241,122, A>G on the plus strand (T>C on the coding strand, the complement: EMC1 is on the minus strand). VCF-style: chr1-19241122-A-G. GRCh37 (hg19) VCF-style: chr1-19567616-A-G.
Other names: c.530T>C, p.Met177Thr (NM_001271427.2, NM_001271428.2, NM_001375820.1 and 1 more transcripts); c.464T>C, p.Met155Thr (NM_001271429.2); short protein forms M155T, M177T.
Identifiers: ClinVar variation 1903635 (VCV001903635.7), dbSNP rs749436505, ClinGen allele CA652868.
Genomic context (GRCh38, chr1:19,241,122, plus strand): 5'-ACATGGCTGAAGGGAACAACTCCGAGGGCCCACACCACCCCAGAGCCGTAAGAATACACC[A>G]TCTGGTAGTGGATGCTGTCACTAAGAGAGGGAAGAAGAAACCGCAGCGTCAGCTTTCAAC-3'
Protein context (NP_055862.1, residues 167-187): LPESDSIHYQ[Met177Thr]VYSYGSGVVW

ClinVar aggregate classification (germline): Uncertain significance. Review status: criteria provided, multiple submitters, no conflicts (2 of 4 stars). 2 submissions from 2 submitters: Uncertain significance (2). Last evaluated 2025-08-20.

Conditions:
Inborn genetic diseases. Identifiers: MedGen C0950123, MeSH D030342.

Allele frequency attached by ClinVar (database versions not stated): gnomAD exomes 0.00005; ExAC 0.00007.

Submissions (2):

Labcorp Genetics (formerly Invitae), Labcorp
Classification: Uncertain significance. Last evaluated: 2025-08-20. Review status: criteria provided, single submitter. Criteria: Invitae Variant Classification Sherloc (09022015). Collection method: clinical testing. Allele origin: germline.
Comment: This sequence change replaces methionine, which is neutral and non-polar, with threonine, which is neutral and polar, at codon 177 of the EMC1 protein (p.Met177Thr). This variant is present in population databases (rs749436505, gnomAD 0.06%). This variant has not been reported in the literature in individuals affected with EMC1-related conditions. ClinVar contains an entry for this variant (Variation ID: 1903635). Invitae Evidence Modeling of protein sequence and biophysical properties (such as structural, functional, and spatial information, amino acid conservation, physicochemical variation, residue mobility, and thermodynamic stability) indicates that this missense variant is not expected to disrupt EMC1 protein function with a negative predictive value of 80%. In summary, the available evidence is currently insufficient to determine the role of this variant in disease. Therefore, it has been classified as a Variant of Uncertain Significance.

Ambry Genetics
Classification: Uncertain significance for Inborn genetic diseases. Last evaluated: 2025-05-16. Review status: criteria provided, single submitter. Criteria: Ambry Variant Classification Scheme 2023. Collection method: clinical testing. Allele origin: germline.